The following is an entry in ClinVar:

ClinVar aggregate classification (germline): Uncertain significance (1 of 4 stars; one submission).

Conditions:
Beckwith-Wiedemann syndrome (BWS). Also called: Exomphalos macroglossia gigantism syndrome; EMG SYNDROME. Identifiers: Orphanet 116, MedGen C0004903, MONDO:0007534, OMIM 130650.

Submission:

Labcorp Genetics (formerly Invitae), Labcorp
Classification: Uncertain significance for Beckwith-Wiedemann syndrome. Last evaluated: 2020-10-05. Review status: criteria provided, single submitter. Criteria: Invitae Variant Classification Sherloc (09022015). Collection method: clinical testing. Allele origin: germline.
Comment: In summary, the available evidence is currently insufficient to determine the role of this variant in disease. Therefore, it has been classified as a Variant of Uncertain Significance. Algorithms developed to predict the effect of missense changes on protein structure and function are either unavailable or do not agree on the potential impact of this missense change (SIFT: "Deleterious"; PolyPhen-2: "Not Available"; Align-GVGD: "Class C0"). This variant has not been reported in the literature in individuals with CDKN1C-related conditions. This variant is not present in population databases (ExAC no frequency). This sequence change replaces glutamine with arginine at codon 232 of the CDKN1C protein (p.Gln232Arg). The glutamine residue is weakly conserved and there is a small physicochemical difference between glutamine and arginine.

NM_001122630.2(CDKN1C):c.662A>G (p.Gln221Arg)

Gene: CDKN1C (cyclin dependent kinase inhibitor 1C; minus strand). Cytogenetic location: 11p15.4.
Variant type: single nucleotide variant.
Coding change: c.662A>G on transcript NM_001122630.2 (MANE Select); coding-DNA position 662, A replaced by G.
Protein change: p.Gln221Arg; replaces glutamine 221 with arginine.
Molecular consequence: missense variant. On other transcripts: intron variant (1).
Genome position (GRCh38, 1-based): chr11:2,884,795, T>C on the plus strand (A>G on the coding strand, the complement: CDKN1C is on the minus strand). VCF-style: chr11-2884795-T-C. GRCh37 (hg19) VCF-style: chr11-2906025-T-C.
Other names: c.662A>G, p.Gln221Arg (NM_001122631.2); c.695A>G, p.Gln232Arg (NM_001362474.2, NM_000076.2); c.255+407A>G (NM_001362475.2); short protein forms Q221R, Q232R.
Identifiers: ClinVar variation 1046829 (VCV001046829.8), dbSNP rs1848925193, ClinGen allele CA379145839.